The following is an entry in ClinVar:

ClinVar aggregate classification (germline): Uncertain significance (1 of 4 stars; one submission).

Conditions:
Actin accumulation myopathy (CMYO2A). Also called: Myopathy, actin, congenital, with cores; Nemaline myopathy 3, with intranuclear rods; Nemaline myopathy type 3; Myopathy, actin, congenital, with excess of thin myofilaments; CONGENITAL MYOPATHY 2A, TYPICAL, AUTOSOMAL DOMINANT. Identifiers: Orphanet 98904, MedGen C3711389, MONDO:0008070, OMIM 161800.

Submission:

Labcorp Genetics (formerly Invitae), Labcorp
Classification: Uncertain significance for Actin accumulation myopathy. Last evaluated: 2024-05-22. Review status: criteria provided, single submitter. Criteria: Invitae Variant Classification Sherloc (09022015). Collection method: clinical testing. Allele origin: germline.
Comment: This sequence change replaces tyrosine, which is neutral and polar, with asparagine, which is neutral and polar, at codon 339 of the ACTA1 protein (p.Tyr339Asn). This variant is not present in population databases (gnomAD no frequency). This variant has not been reported in the literature in individuals affected with ACTA1-related conditions. Advanced modeling of protein sequence and biophysical properties (such as structural, functional, and spatial information, amino acid conservation, physicochemical variation, residue mobility, and thermodynamic stability) performed at Invitae indicates that this missense variant is not expected to disrupt ACTA1 protein function with a negative predictive value of 80%. In summary, the available evidence is currently insufficient to determine the role of this variant in disease. Therefore, it has been classified as a Variant of Uncertain Significance.

NM_001100.4(ACTA1):c.1015T>A (p.Tyr339Asn)

Gene: ACTA1 (actin alpha 1, skeletal muscle; minus strand). Cytogenetic location: 1q42.13.
Variant type: single nucleotide variant.
Coding change: c.1015T>A on transcript NM_001100.4 (MANE Select); coding-DNA position 1015, T replaced by A.
Protein change: p.Tyr339Asn; replaces tyrosine 339 with asparagine.
Molecular consequence: missense variant.
Genome position (GRCh38, 1-based): chr1:229,431,618, A>T on the plus strand (T>A on the coding strand, the complement: ACTA1 is on the minus strand). VCF-style: chr1-229431618-A-T. GRCh37 (hg19) VCF-style: chr1-229567365-A-T.
Other names: short protein forms Y339N.
Identifiers: ClinVar variation 2860475 (VCV002860475.3), dbSNP rs2527435645, ClinGen allele CA345144858.
Genomic context (GRCh38, chr1:229,431,618, plus strand): 5'-TCCACATCTGCTGGAAGGTGGACAGCGAGGCCAGGATGGAGCCGCCGATCCACACCGAGT[A>T]TTTGCGCTCCGGCGGGGCGATGATCTGCAAGACAGCGCGTGAGGTGGGGAGACCTCACCC-3'
Protein context (NP_001091.1, residues 329-349): IKIIAPPERK[Tyr339Asn]SVWIGGSILA